The following is an entry in ClinVar:

ClinVar aggregate classification (germline): Uncertain significance (1 of 4 stars; one submission).

Submission:

Labcorp Genetics (formerly Invitae), Labcorp
Classification: Uncertain significance. Last evaluated: 2022-07-19. Review status: criteria provided, single submitter. Criteria: Invitae Variant Classification Sherloc (09022015). Collection method: clinical testing. Allele origin: germline.
Comment: This missense change has been observed in individual(s) with clinical features of retinitis pigmentosa (Invitae). ClinVar contains an entry for this variant (Variation ID: 1467240). Algorithms developed to predict the effect of missense changes on protein structure and function are either unavailable or do not agree on the potential impact of this missense change (SIFT: "Not Available"; PolyPhen-2: "Possibly Damaging"; Align-GVGD: "Not Available"). In summary, the available evidence is currently insufficient to determine the role of this variant in disease. Therefore, it has been classified as a Variant of Uncertain Significance. Information on the frequency of this variant in the gnomAD database is not available, as this variant may be reported differently in the database. This sequence change replaces leucine, which is neutral and non-polar, with proline, which is neutral and non-polar, at codon 248 of the CNGA1 protein (p.Leu248Pro).

NM_001379270.1(CNGA1):c.731_732delinsCG (p.Leu244Pro)

Genes: CNGA1 (cyclic nucleotide gated channel subunit alpha 1; minus strand), LOC101927157 (uncharacterized LOC101927157; plus strand). Cytogenetic location: 4p12.
Variant type: Indel.
Coding change: c.731_732delinsCG on transcript NM_001379270.1 (MANE Select); coding-DNA positions 731 to 732, TT replaced by CG.
Protein change: p.Leu244Pro; replaces leucine 244 with proline.
Molecular consequence: missense variant.
Genome position (GRCh38, 1-based): chr4:47,937,750-47,937,751, AA replaced by CG on the plus strand (TT replaced by CG on the coding strand, the reverse complement: CNGA1 is on the minus strand). VCF-style: chr4-47937750-AA-CG. GRCh37 (hg19) VCF-style: chr4-47939767-AA-CG.
Other names: c.731_732delinsCG, p.Leu244Pro (NM_000087.5, NM_001142564.2); short protein forms L244P.
Identifiers: ClinVar variation 1467240 (VCV001467240.6), dbSNP rs2110130766, ClinGen allele CA2573137700.